The following is an entry in ClinVar:

ClinVar aggregate classification (germline): Likely benign. Review status: criteria provided, multiple submitters, no conflicts (2 of 4 stars). 2 submissions from 2 submitters: Likely benign (2). Last evaluated 2018-01-13.

Conditions:
Fleck corneal dystrophy (CFD). Also called: CORNEAL DYSTROPHY, FRANCOIS-NEETENS SPECKLED OR FLECKED. Identifiers: Orphanet 98970, MedGen C1562113, MONDO:0007376, OMIM 121850.

Allele frequency attached by ClinVar (database versions not stated): TOPMed 0.00006; gnomAD 0.00008 and 0.00009; gnomAD exomes 0.00008 and 0.00010; ExAC 0.00009.
gnomAD v4.1: 141 of 1,612,824 alleles (0.0087%); highest among the groups gnomAD compares: Middle Eastern, 0.15%; no homozygotes.

Submissions (2):

Illumina Laboratory Services, Illumina
Classification: Likely benign for Fleck corneal dystrophy. Last evaluated: 2018-01-13. Review status: criteria provided, single submitter. Criteria: ICSL Variant Classification Criteria 13 December 2019. Collection method: clinical testing. Allele origin: germline.
Comment: This variant was observed in the ICSL laboratory as part of a predisposition screen in an ostensibly healthy population. It had not been previously curated by ICSL or reported in the Human Gene Mutation Database (HGMD: prior to June 1st, 2018), and was therefore a candidate for classification through an automated scoring system. Utilizing variant allele frequency, disease prevalence and penetrance estimates, and inheritance mode, an automated score was calculated to assess if this variant is too frequent to cause the disease. Based on the score and internal cut-off values, a variant classified as likely benign is not then subjected to further curation. The score for this variant resulted in a classification of likely benign for this disease.

Breakthrough Genomics
Classification: Likely benign. Review status: criteria provided, single submitter. Criteria: ACMG Guidelines, 2015. Collection method: not provided. Allele origin: germline. Inheritance: Autosomal dominant inheritance. Affected: yes.

NM_015040.4(PIKFYVE):c.2459-10T>C

Gene: PIKFYVE (phosphoinositide kinase, FYVE-type zinc finger containing; plus strand). Cytogenetic location: 2q34.
Variant type: single nucleotide variant.
Coding change: c.2459-10T>C on transcript NM_015040.4 (MANE Select); 10 bases into the intron before coding-DNA position 2459, T replaced by C.
Molecular consequence: intron variant.
Genome position (GRCh38, 1-based): chr2:208,325,260, T>C. VCF-style: chr2-208325260-T-C. GRCh37 (hg19) VCF-style: chr2-209189984-T-C.
Identifiers: ClinVar variation 896825 (VCV000896825.5), dbSNP rs751439088, ClinGen allele CA2079860.